The following is an entry in ClinVar:

ClinVar aggregate classification (germline): Benign. Review status: criteria provided, multiple submitters, no conflicts (2 of 4 stars). 2 submissions from 2 submitters: Benign (2). Last evaluated 2019-10-07.

Allele frequency attached by ClinVar (database versions not stated): 1000 Genomes Project 0.05132; 1000 Genomes Project 30x 0.05153; TOPMed 0.07990; gnomAD 0.08646 and 0.08770; ESP Exome Variant Server 0.09250; gnomAD exomes 0.09370 and 0.12035; ExAC 0.09473.
gnomAD v4.1: 188,239 of 1,613,358 alleles (12%); highest among the groups gnomAD compares: Non-Finnish European, 13%; 12,337 homozygotes.

Submissions (2):

GeneDx
Classification: Benign. Last evaluated: 2019-10-07. Review status: criteria provided, single submitter. Criteria: GeneDx Variant Classification Process June 2021. Collection method: clinical testing. Allele origin: germline. Affected: yes.
Comment: This variant is associated with the following publications: (PMID: 17234722, 18812520)

Breakthrough Genomics
Classification: Benign. Review status: criteria provided, single submitter. Criteria: ACMG Guidelines, 2015. Collection method: not provided. Allele origin: germline. Inheritance: Unknown mechanism. Affected: yes.

NM_002412.5(MGMT):c.533A>G (p.Lys178Arg)

Gene: MGMT (O-6-methylguanine-DNA methyltransferase; plus strand). Cytogenetic location: 10q26.3.
Variant type: single nucleotide variant.
Coding change: c.533A>G on transcript NM_002412.5 (MANE Select); coding-DNA position 533, A replaced by G.
Protein change: p.Lys178Arg; replaces lysine 178 with arginine.
Molecular consequence: missense variant.
Genome position (GRCh38, 1-based): chr10:129,766,906, A>G. VCF-style: chr10-129766906-A-G. GRCh37 (hg19) VCF-style: chr10-131565170-A-G.
Other names: short protein forms K178R.
Identifiers: ClinVar variation 1230786 (VCV001230786.4), dbSNP rs2308327, ClinGen allele CA5748152.